The following is an entry in ClinVar:

ClinVar aggregate classification (germline): Benign. Review status: criteria provided, multiple submitters, no conflicts (2 of 4 stars). 4 submissions from 4 submitters: Benign (4). Last evaluated 2018-11-12.

Conditions:
Autosomal dominant polycystic kidney disease. Identifiers: Orphanet 730, MedGen C0085413, MONDO:0004691.
Polycystic kidney disease 2 (PKD2). Also called: Polycystic Kidney Disease 2, Autosomal Dominant; POLYCYSTIC KIDNEY DISEASE, ADULT, TYPE II; POLYCYSTIC KIDNEY DISEASE 2 WITH OR WITHOUT POLYCYSTIC LIVER DISEASE. Identifiers: MedGen C2751306, MONDO:0013131, OMIM 613095.

Allele frequency attached by ClinVar (database versions not stated): gnomAD 0.13098 and 0.13560; TOPMed 0.14078; gnomAD exomes 0.14935; 1000 Genomes Project 30x 0.18770; 1000 Genomes Project 0.19309.

Submissions (4):

GeneDx
Classification: Benign. Last evaluated: 2018-11-12. Review status: criteria provided, single submitter. Criteria: GeneDx Variant Classification Process June 2021. Collection method: clinical testing. Allele origin: germline. Affected: yes.

Illumina Laboratory Services, Illumina
Classification: Benign for Polycystic kidney disease 2. Last evaluated: 2018-01-13. Review status: criteria provided, single submitter. Criteria: ICSL Variant Classification Criteria 13 December 2019. Collection method: clinical testing. Allele origin: germline.
Comment: This variant was observed in the ICSL laboratory as part of a predisposition screen in an ostensibly healthy population. It had not been previously curated by ICSL or reported in the Human Gene Mutation Database (HGMD: prior to June 1st, 2018), and was therefore a candidate for classification through an automated scoring system. Utilizing variant allele frequency, disease prevalence and penetrance estimates, and inheritance mode, an automated score was calculated to assess if this variant is too frequent to cause the disease. Based on the score and internal cut-off values, a variant classified as benign is not then subjected to further curation. The score for this variant resulted in a classification of benign for this disease.

Department of Pathology and Laboratory Medicine, Sinai Health System
Classification: Benign for autosomal dominant polycystic kidney disease. Last evaluated: 2016-02-19. Review status: criteria provided, single submitter. Criteria: ACMG Guidelines, 2015. Collection method: clinical testing. Allele origin: germline.

Breakthrough Genomics
Classification: Benign. Review status: criteria provided, single submitter. Criteria: ACMG Guidelines, 2015. Collection method: not provided. Allele origin: germline. Inheritance: Autosomal dominant inheritance. Affected: yes.

NM_000297.4(PKD2):c.*256C>T

Gene: PKD2 (polycystin 2, transient receptor potential cation channel; plus strand). Cytogenetic location: 4q22.1.
Variant type: single nucleotide variant.
Coding change: c.*256C>T on transcript NM_000297.4 (MANE Select); 256 bases downstream of the stop codon, C replaced by T.
Molecular consequence: 3 prime UTR variant. On other transcripts: non-coding transcript variant (1).
Genome position (GRCh38, 1-based): chr4:88,075,950, C>T. VCF-style: chr4-88075950-C-T. GRCh37 (hg19) VCF-style: chr4-88997102-C-T.
Identifiers: ClinVar variation 350037 (VCV000350037.10), dbSNP rs2728121, ClinGen allele CA10619519.